The following is an entry in ClinVar:

ClinVar aggregate classification (germline): Benign/Likely benign. Review status: criteria provided, multiple submitters, no conflicts (2 of 4 stars). 3 submissions from 3 submitters: Benign (1); Likely benign (2). Last evaluated 2025-12-20.

Conditions:
Left ventricular noncompaction 8 (LVNC8). Identifiers: Orphanet 154, Orphanet 54260, MedGen C3809288, MONDO:0014152, OMIM 615373.

Allele frequency attached by ClinVar (database versions not stated): gnomAD 0.00011 and 0.00036; TOPMed 0.00012; 1000 Genomes Project 30x 0.00141; 1000 Genomes Project 0.00180.
gnomAD v4.1: 1,362 of 1,613,620 alleles (0.084%); highest among the groups gnomAD compares: East Asian, 2.9%; 36 homozygotes.

Submissions (3):

Labcorp Genetics (formerly Invitae), Labcorp
Classification: Likely benign for Left ventricular noncompaction 8. Last evaluated: 2025-12-20. Review status: criteria provided, single submitter. Criteria: Invitae Variant Classification Sherloc (09022015). Collection method: clinical testing. Allele origin: germline.

GeneDx
Classification: Likely benign. Last evaluated: 2021-03-04. Review status: criteria provided, single submitter. Criteria: GeneDx Variant Classification Process June 2021. Collection method: clinical testing. Allele origin: germline. Affected: yes.

Laboratory for Molecular Medicine, Mass General Brigham Personalized Medicine
Classification: Benign. Last evaluated: 2014-11-24. Review status: criteria provided, single submitter. Criteria: LMM Criteria. Collection method: clinical testing. Allele origin: germline. Observed: 1 variant allele.
Comment: Thr570Met in exon 9 of PRDM16: This variant is not expected to have clinical sig nificance because it has been identified in 4.5% (8/178) of Japanese chromosomes from a broad population by the 1000 Genomes Project (v/projects/SNP; dbSNP rs138655327).

NM_022114.4(PRDM16):c.1709C>T (p.Thr570Met)

Gene: PRDM16 (PR/SET domain 16; plus strand). Cytogenetic location: 1p36.32.
Variant type: single nucleotide variant.
Coding change: c.1709C>T on transcript NM_022114.4 (MANE Select); coding-DNA position 1709, C replaced by T.
Protein change: p.Thr570Met; replaces threonine 570 with methionine.
Molecular consequence: missense variant.
Genome position (GRCh38, 1-based): chr1:3,411,906, C>T. VCF-style: chr1-3411906-C-T. GRCh37 (hg19) VCF-style: chr1-3328470-C-T.
Other names: c.1709C>T, p.Thr570Met (NM_199454.3); short protein forms T570M.
Identifiers: ClinVar variation 474410 (VCV000474410.17), dbSNP rs138655327, ClinGen allele CA544261.